The following is an entry in ClinVar:

ClinVar aggregate classification (germline): Likely benign. Review status: criteria provided, multiple submitters, no conflicts (2 of 4 stars). 2 submissions from 2 submitters: Likely benign (2). Last evaluated 2025-10-01.

Allele frequency attached by ClinVar (database versions not stated): gnomAD exomes below 0.00001; TOPMed below 0.00001; gnomAD 0.00001.
gnomAD v4.1: 9 of 1,606,248 alleles (0.00056%); highest among the groups gnomAD compares: African/African-American, 0.0027%; no homozygotes.

Submissions (2):

CeGaT Center for Human Genetics Tuebingen
Classification: Likely benign. Last evaluated: 2025-10-01. Review status: criteria provided, single submitter. Criteria: CeGaT Center For Human Genetics Tuebingen Variant Classification Criteria Version 2. Collection method: clinical testing. Allele origin: germline. Affected: yes. Observed: 1 variant allele.
Comment: OPA1: BP4, BP7

Labcorp Genetics (formerly Invitae), Labcorp
Classification: Likely benign. Last evaluated: 2025-03-18. Review status: criteria provided, single submitter. Criteria: Invitae Variant Classification Sherloc (09022015). Collection method: clinical testing. Allele origin: germline.

NM_130837.3(OPA1):c.2910A>G (p.Glu970=)

Gene: OPA1 (OPA1 mitochondrial dynamin like GTPase; plus strand). Cytogenetic location: 3q29.
Variant type: single nucleotide variant.
Coding change: c.2910A>G on transcript NM_130837.3 (MANE Select); coding-DNA position 2910, A replaced by G.
Protein change: p.Glu970=; no amino-acid change (glutamic acid 970 retained).
Molecular consequence: synonymous variant.
Genome position (GRCh38, 1-based): chr3:193,667,207, A>G. VCF-style: chr3-193667207-A-G. GRCh37 (hg19) VCF-style: chr3-193384996-A-G.
Other names: c.2376A>G, p.Glu792= (NM_001354663.2); c.2373A>G, p.Glu791= (NM_001354664.2); c.2745A>G, p.Glu915= (NM_015560.3); c.2637A>G, p.Glu879= (NM_130831.3); c.2691A>G, p.Glu897= (NM_130832.3); c.2748A>G, p.Glu916= (NM_130833.3); c.2799A>G, p.Glu933= (NM_130834.3); c.2802A>G, p.Glu934= (NM_130835.3); and 1 more.
Identifiers: ClinVar variation 1538667 (VCV001538667.14), dbSNP rs1416460079, ClinGen allele CA437441965.